The following is an entry in ClinVar:

ClinVar aggregate classification (germline): Likely benign. Review status: criteria provided, multiple submitters, no conflicts (2 of 4 stars). 5 submissions from 5 submitters: Likely benign (5). Last evaluated 2026-01-15.

Conditions:
RAF1-related disorder. Also called: RAF1-related condition; RAF1-related disorders.
Cardiovascular phenotype. Identifiers: MedGen CN230736.
RASopathy. Also called: rasopathies; Noonan spectrum disorder. Identifiers: Orphanet 536391, MedGen C5555857, MONDO:0021060.

Allele frequency attached by ClinVar (database versions not stated): TOPMed below 0.00001; ExAC 0.00001; gnomAD exomes 0.00001 and 0.00002.
gnomAD v4.1: 5 of 1,610,454 alleles (0.00031%); highest among the groups gnomAD compares: Admixed American, 0.0083%; no homozygotes.

Submissions (5):

Labcorp Genetics (formerly Invitae), Labcorp
Classification: Likely benign for RASopathy. Last evaluated: 2026-01-15. Review status: criteria provided, single submitter. Criteria: Invitae Variant Classification Sherloc (09022015). Collection method: clinical testing. Allele origin: germline.

PreventionGenetics, part of Exact Sciences
Classification: Likely benign for RAF1-related condition. Last evaluated: 2025-09-16. Review status: criteria provided, single submitter. Criteria: ACMG Guidelines, 2015. Collection method: clinical testing. Allele origin: germline.
Comment: This variant is classified as likely benign based on ACMG/AMP sequence variant interpretation guidelines (Richards et al. 2015 PMID: 25741868, with internal and published modifications).

Ambry Genetics
Classification: Likely benign for Cardiovascular phenotype. Last evaluated: 2025-03-19. Review status: criteria provided, single submitter. Criteria: Ambry Variant Classification Scheme 2023. Collection method: clinical testing. Allele origin: germline.

GeneDx
Classification: Likely benign. Last evaluated: 2020-06-12. Review status: criteria provided, single submitter. Criteria: GeneDx Variant Classification Process June 2021. Collection method: clinical testing. Allele origin: germline. Affected: yes.
Comment: This variant is associated with the following publications: (PMID: 29907801, 30050098)

Women's Health and Genetics/Laboratory Corporation of America, LabCorp
Classification: Likely benign. Last evaluated: 2019-08-29. Review status: criteria provided, single submitter. Criteria: LabCorp Variant Classification Summary - May 2015. Collection method: clinical testing. Allele origin: germline.

NM_002880.4(RAF1):c.1431T>C (p.His477=)

Gene: RAF1 (Raf-1 proto-oncogene, serine/threonine kinase; minus strand). Cytogenetic location: 3p25.2.
Variant type: single nucleotide variant.
Coding change: c.1431T>C on transcript NM_002880.4 (MANE Select); coding-DNA position 1431, T replaced by C.
Protein change: p.His477=; no amino-acid change (histidine 477 retained).
Molecular consequence: synonymous variant. On other transcripts: non-coding transcript variant (3).
Genome position (GRCh38, 1-based): chr3:12,585,786, A>G on the plus strand (T>C on the coding strand, the complement: RAF1 is on the minus strand). VCF-style: chr3-12585786-A-G. GRCh37 (hg19) VCF-style: chr3-12627285-A-G.
Other names: c.1332T>C, p.His444= (NM_001354693.3); c.1248T>C, p.His416= (NM_001354694.3); c.1089T>C, p.His363= (NM_001354695.3); c.1491T>C, p.His497= (NM_001354689.3); c.1431T>C, p.His477= (NM_001354690.3); c.1188T>C, p.His396= (NM_001354691.3, NM_001354692.3).
Identifiers: ClinVar variation 239406 (VCV000239406.17), dbSNP rs770034641, ClinGen allele CA2259498.